The following is an entry in ClinVar:

NM_001378189.1(CFAP57):c.863T>C (p.Ile288Thr)

Genes: CFAP57 (cilia and flagella associated protein 57; plus strand), EBNA1BP2 (EBNA1 binding protein 2; minus strand), LOC105378685 (uncharacterized LOC105378685; minus strand). Cytogenetic location: 1p34.2.
Variant type: single nucleotide variant.
Coding change: c.863T>C on transcript NM_001378189.1 (MANE Select); coding-DNA position 863, T replaced by C.
Protein change: p.Ile288Thr; replaces isoleucine 288 with threonine.
Molecular consequence: missense variant.
Genome position (GRCh38, 1-based): chr1:43,185,250, T>C. VCF-style: chr1-43185250-T-C. GRCh37 (hg19) VCF-style: chr1-43650921-T-C.
Other names: c.863T>C, p.Ile288Thr (NM_001167965.1, NM_001195831.3, NM_152498.3); short protein forms I288T.
Identifiers: ClinVar variation 3044554 (VCV003044554.2), dbSNP rs750661261, ClinGen allele CA804484.

ClinVar aggregate classification (germline): Uncertain significance (0 of 4 stars; one submission).

Conditions:
CFAP57-related disorder. Also called: CFAP57-related condition.

Allele frequency attached by ClinVar (database versions not stated): gnomAD exomes below 0.00001; ExAC 0.00001; gnomAD 0.00001.
gnomAD v4.1: 10 of 1,614,076 alleles (0.00062%); highest among the groups gnomAD compares: South Asian, 0.0033%; no homozygotes.

Submission:

PreventionGenetics, part of Exact Sciences
Classification: Uncertain significance for CFAP57-related condition. Last evaluated: 2024-02-15. Review status: no assertion criteria provided. Collection method: clinical testing. Allele origin: germline.
Comment: The CFAP57 c.863T>C variant is predicted to result in the amino acid substitution p.Ile288Thr. To our knowledge, this variant has not been reported in the literature. This variant is reported in 0.0033% of alleles in individuals of South Asian descent in gnomAD. At this time, the clinical significance of this variant is uncertain due to the absence of conclusive functional and genetic evidence.